The following is an entry in ClinVar:

NM_182961.4(SYNE1):c.7238-180G>A

Gene: SYNE1 (spectrin repeat containing nuclear envelope protein 1; minus strand). Cytogenetic location: 6q25.2.
Variant type: single nucleotide variant.
Coding change: c.7238-180G>A on transcript NM_182961.4 (MANE Select); 180 bases into the intron before coding-DNA position 7238, G replaced by A.
Molecular consequence: intron variant.
Genome position (GRCh38, 1-based): chr6:152,398,911, C>T on the plus strand (G>A on the coding strand, the complement: SYNE1 is on the minus strand). VCF-style: chr6-152398911-C-T. GRCh37 (hg19) VCF-style: chr6-152720046-C-T.
Other names: c.7259-180G>A (NM_033071.5).
Identifiers: ClinVar variation 670649 (VCV000670649.1), dbSNP rs493994, ClinGen allele CA15458017.

ClinVar aggregate classification (germline): Benign (1 of 4 stars; one submission).

Allele frequency attached by ClinVar (database versions not stated): gnomAD 0.19884 and 0.20707; TOPMed 0.20391; 1000 Genomes Project 30x 0.24016; 1000 Genomes Project 0.24920.
gnomAD v4.1: 31,425 of 152,028 alleles (21%); highest among the groups gnomAD compares: East Asian, 40%; 3,532 homozygotes.

Submission:

GeneDx
Classification: Benign. Last evaluated: 2018-06-14. Review status: criteria provided, single submitter. Criteria: GeneDx Variant Classification (06012015). Collection method: clinical testing. Allele origin: germline. Affected: yes.
Comment: This variant is considered likely benign or benign based on one or more of the following criteria: it is a conservative change, it occurs at a poorly conserved position in the protein, it is predicted to be benign by multiple in silico algorithms, and/or has population frequency not consistent with disease.